The following is an entry in ClinVar:

ClinVar aggregate classification (germline): Conflicting classifications of pathogenicity. Review status: criteria provided, conflicting classifications (1 of 4 stars). 10 submissions from 8 submitters: Uncertain significance (1); Benign (2); Likely benign (7). Last evaluated 2026-01-13.

Conditions:
GARS1-related disorder. Also called: GARS1-related condition.
Distal spinal muscular atrophy. Also called: Distal hereditary motor neuropathy; Distal hereditary motor neuronopathy. Identifiers: Orphanet 53739, MedGen C0393541, MONDO:0018894.
Charcot-Marie-Tooth disease. Also called: Charcot-Marie-Tooth Hereditary Neuropathy; Charcot-Marie-Tooth Neuropathy. Identifiers: Orphanet 166, MedGen C0007959, MONDO:0015626.
Charcot-Marie-Tooth disease type 2. Also called: Charcot-Marie-Tooth type 2. Identifiers: Orphanet 64746, MedGen C0270914, MONDO:0018993.
Charcot-Marie-Tooth disease type 2D (CMT2D). Also called: GARS1 Adolescent- or Early Adult-Onset Hereditary Motor/Sensory Neuropathy (GARS1-HMSN); Charcot-Marie-Tooth Neuropathy Type 2D; CHARCOT-MARIE-TOOTH DISEASE, AXONAL, TYPE 2D; CHARCOT-MARIE-TOOTH DISEASE, NEURONAL, TYPE 2D. Identifiers: Orphanet 99938, MedGen C1832274, MONDO:0011091, OMIM 601472.
Neuronopathy, distal hereditary motor, type 5A (HMND5). Also called: Distal Spinal Muscular Atrophy V; Distal Spinal Muscular Atrophy V (dSMA-V); DHMN VA; NEURONOPATHY, DISTAL HEREDITARY MOTOR, AUTOSOMAL DOMINANT 5. Identifiers: Orphanet 139536, MedGen CN031873, MONDO:0015353, OMIM 600794.

Allele frequency attached by ClinVar (database versions not stated): ESP Exome Variant Server 0.00025; TOPMed 0.00007; gnomAD 0.00008 and 0.00011; ExAC 0.00019; gnomAD exomes 0.00022 and 0.00023.
gnomAD v4.1: 340 of 1,610,862 alleles (0.021%); highest among the groups gnomAD compares: East Asian, 0.41%; 2 homozygotes.

Submissions (10):

PreventionGenetics, part of Exact Sciences
Classification: Likely benign for GARS1-related condition. Last evaluated: 2026-01-13. Review status: criteria provided, single submitter. Criteria: ACMG Guidelines, 2015. Collection method: clinical testing. Allele origin: germline.
Comment: This variant is classified as likely benign based on ACMG/AMP sequence variant interpretation guidelines (Richards et al. 2015 PMID: 25741868, with internal and published modifications).

Labcorp Genetics (formerly Invitae), Labcorp
Classification: Benign for Charcot-Marie-Tooth disease type 2. Last evaluated: 2025-11-12. Review status: criteria provided, single submitter. Criteria: Invitae Variant Classification Sherloc (09022015). Collection method: clinical testing. Allele origin: germline.

Athena Diagnostics
Classification: Benign. Last evaluated: 2024-12-06. Review status: criteria provided, single submitter. Criteria: Athena Diagnostics Criteria. Collection method: clinical testing. Allele origin: unknown.
Comment: The frequency of this variant in the general population is higher than would generally be expected for pathogenic variants in this gene. Computational tools yielded predictions that this variant is unlikely to have an effect on normal RNA splicing. This nucleotide position exhibits low evolutionary conservation.

Ambry Genetics
Classification: Likely benign. Last evaluated: 2019-07-11. Review status: criteria provided, single submitter. Criteria: Ambry Variant Classification Scheme 2023. Collection method: clinical testing. Allele origin: germline.

GeneDx
Classification: Likely benign. Last evaluated: 2017-10-06. Review status: criteria provided, single submitter. Criteria: GeneDx Variant Classification (06012015). Collection method: clinical testing. Allele origin: germline. Affected: yes.
Comment: This variant is considered likely benign or benign based on one or more of the following criteria: it is a conservative change, it occurs at a poorly conserved position in the protein, it is predicted to be benign by multiple in silico algorithms, and/or has population frequency not consistent with disease.

Illumina Laboratory Services, Illumina
Classification: Likely benign for Charcot-Marie-Tooth disease type 2D. Last evaluated: 2017-04-27. Review status: criteria provided, single submitter. Criteria: ICSL Variant Classification Criteria 13 December 2019. Collection method: clinical testing. Allele origin: germline.
Comment: This variant was observed as part of a predisposition screen in an ostensibly healthy population. A literature search was performed for the gene, cDNA change, and amino acid change (where applicable). No publications were found based on this search. Allele frequency data from public databases allowed determination this variant is unlikely to cause disease. Therefore, this variant is classified as likely benign.

Illumina Laboratory Services, Illumina
Classification: Likely benign for Distal Spinal Muscular Atrophy. Last evaluated: 2017-04-27. Review status: criteria provided, single submitter. Criteria: ICSL Variant Classification Criteria 13 December 2019. Collection method: clinical testing. Allele origin: germline.
Comment: the same text as in the submission from Illumina Laboratory Services, Illumina above.

Illumina Laboratory Services, Illumina
Classification: Likely benign for Distal hereditary motor neuronopathy type 5. Last evaluated: 2017-04-27. Review status: criteria provided, single submitter. Criteria: ICSL Variant Classification Criteria 13 December 2019. Collection method: clinical testing. Allele origin: germline.
Comment: the same text as in the submission from Illumina Laboratory Services, Illumina above.

Eurofins Ntd Llc (ga)
Classification: Uncertain significance. Last evaluated: 2014-12-02. Review status: criteria provided, single submitter. Criteria: EGL Classification Definitions 2015. Collection method: clinical testing. Allele origin: germline. Observed: 1 variant allele, 1 heterozygote.

Molecular Genetics Laboratory, London Health Sciences Centre
Classification: Likely benign for Charcot-Marie-Tooth disease. Review status: criteria provided, single submitter. Criteria: ACMG Guidelines, 2015. Collection method: clinical testing. Allele origin: germline. Affected: yes.

Literature cited by the submitters: PubMed 19329989 (cited by Athena Diagnostics and Eurofins Ntd Llc (ga)).

NM_002047.4(GARS1):c.1716G>A (p.Pro572=)

Gene: GARS1 (glycyl-tRNA synthetase 1; plus strand). Cytogenetic location: 7p14.3.
Variant type: single nucleotide variant.
Coding change: c.1716G>A on transcript NM_002047.4 (MANE Select); coding-DNA position 1716, G replaced by A.
Protein change: p.Pro572=; no amino-acid change (proline 572 retained).
Molecular consequence: synonymous variant.
Genome position (GRCh38, 1-based): chr7:30,628,576, G>A. VCF-style: chr7-30628576-G-A. GRCh37 (hg19) VCF-style: chr7-30668192-G-A.
Other names: c.1554G>A, p.Pro518= (NM_001316772.1); c.1716G>A (LRG_243t1, NM_002047.3).
Identifiers: ClinVar variation 194367 (VCV000194367.24), dbSNP rs370608239, ClinGen allele CA240295.